The following is an entry in ClinVar:

NM_153343.4(ENPP6):c.318C>T (p.Gly106=)

Gene: ENPP6 (ectonucleotide pyrophosphatase/phosphodiesterase 6; minus strand). Cytogenetic location: 4q35.1.
Variant type: single nucleotide variant.
Coding change: c.318C>T on transcript NM_153343.4 (MANE Select); coding-DNA position 318, C replaced by T.
Protein change: p.Gly106=; no amino-acid change (glycine 106 retained).
Molecular consequence: synonymous variant.
Genome position (GRCh38, 1-based): chr4:184,153,657, G>A on the plus strand (C>T on the coding strand, the complement: ENPP6 is on the minus strand). VCF-style: chr4-184153657-G-A. GRCh37 (hg19) VCF-style: chr4-185074810-G-A.
Identifiers: ClinVar variation 2655207 (VCV002655207.24), dbSNP rs758733703, ClinGen allele CA3153483.

ClinVar aggregate classification (germline): Likely benign (1 of 4 stars; one submission).

Allele frequency attached by ClinVar (database versions not stated): gnomAD exomes 0.00001; TOPMed 0.00001; ExAC 0.00002; gnomAD 0.00002.
gnomAD v4.1: 21 of 1,614,020 alleles (0.0013%); highest among the groups gnomAD compares: Middle Eastern, 0.049%; no homozygotes.

Submission:

CeGaT Center for Human Genetics Tuebingen
Classification: Likely benign. Last evaluated: 2023-03-01. Review status: criteria provided, single submitter. Criteria: CeGaT Center For Human Genetics Tuebingen Variant Classification Criteria Version 2. Collection method: clinical testing. Allele origin: germline. Affected: yes. Observed: 1 variant allele.
Comment: ENPP6: BP4, BP7